The following is an entry in ClinVar:

ClinVar aggregate classification (germline): Uncertain significance. Review status: criteria provided, multiple submitters, no conflicts (2 of 4 stars). 3 submissions from 3 submitters: Uncertain significance (2). 1 of the submissions does not count toward it. Last evaluated 2025-10-05.

Conditions:
Hypophosphatemic nephrolithiasis/osteoporosis 1. Identifiers: Orphanet 244305, MedGen C2676786, MONDO:0012850, OMIM 612286.
Fanconi renotubular syndrome 2 (FRTS2). Identifiers: MedGen C3150652, MONDO:0013247, OMIM 613388.
Hypercalcemia, infantile, 2 (HCINF2). Identifiers: Orphanet 300547, MedGen C4310473, MONDO:0014851, OMIM 616963.

Allele frequency attached by ClinVar (database versions not stated): TOPMed below 0.00001; gnomAD 0.00004; ExAC 0.00005.
gnomAD v4.1: 32 of 1,599,336 alleles (0.002%); highest among the groups gnomAD compares: East Asian, 0.0067%; no homozygotes.

Submissions (3):

Labcorp Genetics (formerly Invitae), Labcorp
Classification: Uncertain significance. Last evaluated: 2025-10-05. Review status: criteria provided, single submitter. Criteria: Invitae Variant Classification Sherloc (09022015). Collection method: clinical testing. Allele origin: germline.
Comment: This sequence change replaces arginine, which is basic and polar, with cysteine, which is neutral and slightly polar, at codon 638 of the SLC34A1 protein (p.Arg638Cys). This variant is present in population databases (rs387907503, gnomAD 0.02%). This variant has not been reported in the literature in individuals affected with SLC34A1-related conditions. ClinVar contains an entry for this variant (Variation ID: 64523). An algorithm developed to predict the effect of missense changes on protein structure and function (PolyPhen-2) suggests that this variant is likely to be disruptive. In summary, the available evidence is currently insufficient to determine the role of this variant in disease. Therefore, it has been classified as a Variant of Uncertain Significance.

Fulgent Genetics
Classification: Uncertain significance for Hypophosphatemic nephrolithiasis/osteoporosis 1; Fanconi renotubular syndrome 2; Hypercalcemia, infantile, 2. Last evaluated: 2024-06-18. Review status: criteria provided, single submitter. Criteria: ACMG Guidelines, 2015. Collection method: clinical testing. Allele origin: germline.

Martin Pollak Laboratory,  Beth Israel Deaconess Medical Center
Classification: Uncertain significance. Review status: no assertion criteria provided. Collection method: not provided. Allele origin: unknown. Not counted in ClinVar's aggregate classification.
Comment: Lower UCa2+ group
ClinVar note: Converted during submission from unknown to Uncertain significance.

NM_003052.5(SLC34A1):c.1912C>T (p.Arg638Cys)

Gene: SLC34A1 (solute carrier family 34 member 1; plus strand). Cytogenetic location: 5q35.3.
Variant type: single nucleotide variant.
Coding change: c.1912C>T on transcript NM_003052.5 (MANE Select); coding-DNA position 1912, C replaced by T.
Protein change: p.Arg638Cys; replaces arginine 638 with cysteine.
Molecular consequence: missense variant.
Genome position (GRCh38, 1-based): chr5:177,398,278, C>T. VCF-style: chr5-177398278-C-T. GRCh37 (hg19) VCF-style: chr5-176825279-C-T.
Other names: short protein forms R638C.
Identifiers: ClinVar variation 64523 (VCV000064523.5), dbSNP rs387907503, ClinGen allele CA025520.